The following is an entry in ClinVar:

ClinVar aggregate classification (germline): Uncertain significance. Review status: criteria provided, multiple submitters, no conflicts (2 of 4 stars). 2 submissions from 2 submitters: Uncertain significance (2). Last evaluated 2026-01-08.

Conditions:
Hereditary cancer-predisposing syndrome. Also called: Neoplastic Syndromes, Hereditary; Tumor predisposition; Hereditary Cancer Syndrome; Hereditary neoplastic syndrome. Identifiers: Orphanet 140162, MedGen C0027672, MeSH D009386, MONDO:0015356.
EGFR-related lung cancer (EGFR). Identifiers: MedGen CN130014.

gnomAD v4.1: 2 of 1,614,126 alleles (0.00012%); highest among the groups gnomAD compares: Non-Finnish European, 0.00017%; no homozygotes.

Submissions (2):

Ambry Genetics
Classification: Uncertain significance for Hereditary cancer-predisposing syndrome. Last evaluated: 2026-01-08. Review status: criteria provided, single submitter. Criteria: Ambry Variant Classification Scheme 2023. Collection method: clinical testing. Allele origin: germline.
Comment: The p.H850R variant (also known as c.2549A>G), located in coding exon 21 of the EGFR gene, results from an A to G substitution at nucleotide position 2549. The histidine at codon 850 is replaced by arginine, an amino acid with highly similar properties. This amino acid position is highly conserved in available vertebrate species. In addition, the in silico prediction for this alteration is inconclusive. Based on the available evidence, the clinical significance of this variant remains unclear.

Labcorp Genetics (formerly Invitae), Labcorp
Classification: Uncertain significance for EGFR-related lung cancer. Last evaluated: 2022-03-01. Review status: criteria provided, single submitter. Criteria: Invitae Variant Classification Sherloc (09022015). Collection method: clinical testing. Allele origin: germline.
Comment: This variant is not present in population databases (gnomAD no frequency). This sequence change replaces histidine, which is basic and polar, with arginine, which is basic and polar, at codon 850 of the EGFR protein (p.His850Arg). This variant has not been reported in the literature in individuals affected with EGFR-related conditions. Algorithms developed to predict the effect of missense changes on protein structure and function are either unavailable or do not agree on the potential impact of this missense change (SIFT: "Tolerated"; PolyPhen-2: "Possibly Damaging"; Align-GVGD: "Class C0"). In summary, the available evidence is currently insufficient to determine the role of this variant in disease. Therefore, it has been classified as a Variant of Uncertain Significance.

NM_005228.5(EGFR):c.2549A>G (p.His850Arg)

Gene: EGFR (epidermal growth factor receptor; plus strand). Cytogenetic location: 7p11.2.
Variant type: single nucleotide variant.
Coding change: c.2549A>G on transcript NM_005228.5 (MANE Select); coding-DNA position 2549, A replaced by G.
Protein change: p.His850Arg; replaces histidine 850 with arginine.
Molecular consequence: missense variant.
Genome position (GRCh38, 1-based): chr7:55,191,798, A>G. VCF-style: chr7-55191798-A-G. GRCh37 (hg19) VCF-style: chr7-55259491-A-G.
Other names: c.2414A>G, p.His805Arg (NM_001346897.2, NM_001346899.2); c.2549A>G, p.His850Arg (NM_001346898.2); c.2390A>G, p.His797Arg (NM_001346900.2); c.1748A>G, p.His583Arg (NM_001346941.2); short protein forms H797R, H850R, H583R, H805R.
Identifiers: ClinVar variation 1985690 (VCV001985690.5), dbSNP rs2128964558, ClinGen allele CA367580223.